The following is an entry in ClinVar:

NM_004333.6(BRAF):c.1929A>G (p.Gly643=)

Gene: BRAF (B-Raf proto-oncogene, serine/threonine kinase; minus strand). Cytogenetic location: 7q34.
Variant type: single nucleotide variant.
Coding change: c.1929A>G on transcript NM_004333.6 (MANE Select); coding-DNA position 1929, A replaced by G.
Protein change: p.Gly643=; no amino-acid change (glycine 643 retained).
Molecular consequence: synonymous variant.
Genome position (GRCh38, 1-based): chr7:140,749,350, T>C on the plus strand (A>G on the coding strand, the complement: BRAF is on the minus strand). VCF-style: chr7-140749350-T-C. GRCh37 (hg19) VCF-style: chr7-140449150-T-C.
Other names: p.G643G; p.G643G:GGA>GGG; NM_004333.4(BRAF):c.1929A>G; c.1929A>G, p.Gly643= (NM_001354609.2, NM_001378468.1, NM_001378474.1); c.2049A>G, p.Gly683= (NM_001374244.1, NM_001374258.1); c.1938A>G, p.Gly646= (NM_001378467.1); c.1863A>G, p.Gly621= (NM_001378469.1); c.1827A>G, p.Gly609= (NM_001378470.1); and 3 more.
Identifiers: ClinVar variation 40391 (VCV000040391.44), dbSNP rs9648696, ClinGen allele CA135110.

ClinVar aggregate classification (germline): Benign. Review status: reviewed by expert panel (3 of 4 stars). 16 submissions from 15 submitters: Benign (1). 15 of the submissions do not count toward it. Last evaluated 2017-04-18.

Conditions:
Cardiovascular phenotype. Identifiers: MedGen CN230736.
RASopathy. Also called: rasopathies; Noonan spectrum disorder. Identifiers: Orphanet 536391, MedGen C5555857, MONDO:0021060.
Noonan syndrome 7 (NS7). Also called: BRAF-Related Noonan Syndrome. Identifiers: Orphanet 648, MedGen C3150970, MONDO:0013379, OMIM 613706.
LEOPARD syndrome 3 (LPRD3). Identifiers: Orphanet 500, MedGen C3150971, MONDO:0013380, OMIM 613707.

Allele frequency attached by ClinVar (database versions not stated): gnomAD 0.30275 and 0.30796; TOPMed 0.31557; ESP Exome Variant Server 0.32001; 1000 Genomes Project 0.35104; 1000 Genomes Project 30x 0.35587; gnomAD exomes 0.16400 and 0.20144; ExAC 0.21236.
gnomAD v4.1: 287,439 of 1,612,556 alleles (18%); highest among the groups gnomAD compares: African/African-American, 68%; 37,917 homozygotes.

Submissions (16):

ClinGen RASopathy Variant Curation Expert Panel
Classification: Benign for Noonan syndrome and Noonan-related syndrome. Last evaluated: 2017-04-18. Review status: reviewed by expert panel. Criteria: ClinGen RASopathy ACMG Specifications v1. Collection method: curation. Allele origin: germline. Inheritance: Autosomal dominant inheritance.
Comment: The filtering allele frequency of the c.1929A>G (p.Gly643=) variant in the BRAF gene is 66.117% (6984/10356) of African chromosomes by the Exome Aggregation Consortium, which is a high enough frequency to be classified as benign based on thresholds defined by the ClinGen RASopathy Expert Panel (BA1; PMID:29493581)

Labcorp Genetics (formerly Invitae), Labcorp
Classification: Benign for RASopathy. Last evaluated: 2026-02-04. Review status: criteria provided, single submitter. Criteria: Invitae Variant Classification Sherloc (09022015). Collection method: clinical testing. Allele origin: germline. Not counted in ClinVar's aggregate classification.

ARUP Laboratories, Molecular Genetics and Genomics, ARUP Laboratories
Classification: Benign. Last evaluated: 2025-07-29. Review status: criteria provided, single submitter. Criteria: ARUP Molecular Germline Variant Investigation Process 2024. Collection method: clinical testing. Allele origin: germline. Not counted in ClinVar's aggregate classification.

Blueprint Genetics
Classification: Likely benign. Last evaluated: 2024-11-27. Review status: criteria provided, single submitter. Criteria: ACMG Guidelines, 2015. Collection method: clinical testing. Allele origin: germline. Not counted in ClinVar's aggregate classification.

Mayo Clinic Laboratories, Mayo Clinic
Classification: Benign. Last evaluated: 2023-03-07. Review status: criteria provided, single submitter. Criteria: ACMG Guidelines, 2015. Collection method: clinical testing. Allele origin: germline. Observed: 611 variant alleles. Not counted in ClinVar's aggregate classification.

Ambry Genetics
Classification: Benign for Cardiovascular phenotype. Last evaluated: 2018-12-04. Review status: criteria provided, single submitter. Criteria: Ambry Variant Classification Scheme 2023. Collection method: clinical testing. Allele origin: germline. Not counted in ClinVar's aggregate classification.

Illumina Laboratory Services, Illumina
Classification: Benign for Noonan syndrome 7. Last evaluated: 2018-01-13. Review status: criteria provided, single submitter. Criteria: ICSL Variant Classification Criteria 13 December 2019. Collection method: clinical testing. Allele origin: germline. Not counted in ClinVar's aggregate classification.
Comment: This variant was observed in the ICSL laboratory as part of a predisposition screen in an ostensibly healthy population. It had not been previously curated by ICSL or reported in the Human Gene Mutation Database (HGMD: prior to June 1st, 2018), and was therefore a candidate for classification through an automated scoring system. Utilizing variant allele frequency, disease prevalence and penetrance estimates, and inheritance mode, an automated score was calculated to assess if this variant is too frequent to cause the disease. Based on the score and internal cut-off values, a variant classified as benign is not then subjected to further curation. The score for this variant resulted in a classification of benign for this disease.

Illumina Laboratory Services, Illumina
Classification: Benign for LEOPARD syndrome 3. Last evaluated: 2018-01-13. Review status: criteria provided, single submitter. Criteria: ICSL Variant Classification Criteria 13 December 2019. Collection method: clinical testing. Allele origin: germline. Not counted in ClinVar's aggregate classification.
Comment: the same text as in the submission from Illumina Laboratory Services, Illumina above.

Women's Health and Genetics/Laboratory Corporation of America, LabCorp
Classification: Benign. Last evaluated: 2017-11-16. Review status: criteria provided, single submitter. Criteria: LabCorp Variant Classification Summary - May 2015. Collection method: clinical testing. Allele origin: germline. Not counted in ClinVar's aggregate classification.
Comment: Variant summary: The BRAF c.1929A>G (p.Gly643Gly) variant involves the alteration of a nucleotide, resulting in a synonymous change. One in silico tool predicts a polymorphism outcome for this variant. 5/5 splice prediction tools predict no significant impact on normal splicing. ESE finder predicts that this variant does not affect any ESE site. However, these predictions have yet to be confirmed by functional studies. This variant was found in 25661/120836 control chromosomes at a frequency of 0.2123622, which is approximately 84945 times the estimated maximal expected allele frequency of a pathogenic BRAF variant (0.0000025), suggesting this variant is likely a benign polymorphism. In addition, multiple clinical diagnostic laboratories/reputable databases classified this variant as benign. Taken together, this variant is classified as benign.

Eurofins Ntd Llc (ga)
Classification: Benign. Last evaluated: 2015-05-19. Review status: criteria provided, single submitter. Criteria: EGL Classification Definitions 2015. Collection method: clinical testing. Allele origin: germline. Observed: 4 variant alleles, 4 heterozygotes. Not counted in ClinVar's aggregate classification.

GeneDx
Classification: Benign for Rasopathy. Last evaluated: 2012-01-24. Review status: criteria provided, single submitter. Criteria: GeneDx Variant Classification (06012015). Collection method: clinical testing. Allele origin: germline. Affected: yes. Not counted in ClinVar's aggregate classification.
Comment: The variant is found in NOONAN panel(s).

Laboratory for Molecular Medicine, Mass General Brigham Personalized Medicine
Classification: Benign. Last evaluated: 2007-12-03. Review status: criteria provided, single submitter. Criteria: LMM Criteria. Collection method: clinical testing. Allele origin: germline. Observed: 1,113 variant alleles. Not counted in ClinVar's aggregate classification.

Breakthrough Genomics
Classification: Benign. Review status: criteria provided, single submitter. Criteria: ACMG Guidelines, 2015. Collection method: not provided. Allele origin: germline. Inheritance: Autosomal dominant inheritance. Affected: yes. Not counted in ClinVar's aggregate classification.

PreventionGenetics, part of Exact Sciences
Classification: Benign. Review status: criteria provided, single submitter. Criteria: ACMG Guidelines, 2015. Collection method: clinical testing. Allele origin: germline. Not counted in ClinVar's aggregate classification.

Greenwood Genetic Center Diagnostic Laboratories, Greenwood Genetic Center
Classification: Benign. Last evaluated: 2015-01-15. Review status: no assertion criteria provided. Collection method: clinical testing. Allele origin: germline. Not counted in ClinVar's aggregate classification.

Baylor Genetics
Classification: Benign for Rasopathy. Review status: no assertion criteria provided. Collection method: clinical testing. Allele origin: unknown. Affected: yes. Not counted in ClinVar's aggregate classification.
Comment: Variant classified using ACMG guidelines